The following is an entry in ClinVar:

NM_014712.3(SETD1A):c.1720-1G>A

Gene: SETD1A (SET domain containing 1A, histone lysine methyltransferase; plus strand). Cytogenetic location: 16p11.2.
Variant type: single nucleotide variant.
Coding change: c.1720-1G>A on transcript NM_014712.3 (MANE Select); the canonical splice acceptor site of the intron before coding-DNA position 1720, G replaced by A.
Molecular consequence: splice acceptor variant.
Genome position (GRCh38, 1-based): chr16:30,965,600, G>A. VCF-style: chr16-30965600-G-A. GRCh37 (hg19) VCF-style: chr16-30976921-G-A.
Identifiers: ClinVar variation 2431368 (VCV002431368.1), dbSNP rs2543859166, ClinGen allele CA395655764.

ClinVar aggregate classification (germline): Likely pathogenic (1 of 4 stars; one submission).

Conditions:
Neurodevelopmental disorder with speech impairment and dysmorphic facies. Identifiers: MedGen C5436699, MONDO:0033630, OMIM 619056.

Submission:

Laboratorio de Genetica e Diagnostico Molecular, Hospital Israelita Albert Einstein
Classification: Likely pathogenic for Neurodevelopmental disorder with speech impairment and dysmorphic facies. Last evaluated: 2022-06-14. Review status: criteria provided, single submitter. Criteria: ACMG Guidelines, 2015. Collection method: clinical testing. Allele origin: germline. Affected: yes. Observed: 1 variant allele.
Comment: ACMG classification criteria: PVS1 strong, PM2 moderated